The following is an entry in ClinVar:

ClinVar aggregate classification (germline): Uncertain significance. Review status: criteria provided, multiple submitters, no conflicts (2 of 4 stars). 2 submissions from 2 submitters: Uncertain significance (2). Last evaluated 2023-11-27.

Allele frequency attached by ClinVar (database versions not stated): gnomAD exomes below 0.00001; gnomAD 0.00001; TOPMed 0.00002.

Submissions (2):

Labcorp Genetics (formerly Invitae), Labcorp
Classification: Uncertain significance. Last evaluated: 2023-11-27. Review status: criteria provided, single submitter. Criteria: Invitae Variant Classification Sherloc (09022015). Collection method: clinical testing. Allele origin: germline.
Comment: This sequence change replaces serine, which is neutral and polar, with alanine, which is neutral and non-polar, at codon 752 of the ASPM protein (p.Ser752Ala). This variant is present in population databases (rs794727806, gnomAD 0.01%). This variant has not been reported in the literature in individuals affected with ASPM-related conditions. ClinVar contains an entry for this variant (Variation ID: 198226). Advanced modeling of protein sequence and biophysical properties (such as structural, functional, and spatial information, amino acid conservation, physicochemical variation, residue mobility, and thermodynamic stability) has been performed at Invitae for this missense variant, however the output from this modeling did not meet the statistical confidence thresholds required to predict the impact of this variant on ASPM protein function. In summary, the available evidence is currently insufficient to determine the role of this variant in disease. Therefore, it has been classified as a Variant of Uncertain Significance.

Eurofins Ntd Llc (ga)
Classification: Uncertain significance. Last evaluated: 2014-07-29. Review status: criteria provided, single submitter. Criteria: EGL Classification Definitions 2015. Collection method: clinical testing. Allele origin: germline. Observed: 1 variant allele, 1 heterozygote.

NM_018136.5(ASPM):c.2254T>G (p.Ser752Ala)

Gene: ASPM (assembly factor for spindle microtubules; minus strand). Cytogenetic location: 1q31.3.
Variant type: single nucleotide variant.
Coding change: c.2254T>G on transcript NM_018136.5 (MANE Select); coding-DNA position 2254, T replaced by G.
Protein change: p.Ser752Ala; replaces serine 752 with alanine.
Molecular consequence: missense variant.
Genome position (GRCh38, 1-based): chr1:197,133,515, A>C on the plus strand (T>G on the coding strand, the complement: ASPM is on the minus strand). VCF-style: chr1-197133515-A-C. GRCh37 (hg19) VCF-style: chr1-197102645-A-C.
Other names: c.2254T>G, p.Ser752Ala (NM_001206846.2); short protein forms S752A.
Identifiers: ClinVar variation 198226 (VCV000198226.8), dbSNP rs794727806, ClinGen allele CA246766.
Genomic context (GRCh38, chr1:197,133,515, plus strand): 5'-AACGGCATGCTGCACGACGTAGTCTGTTTAACCTACACCGAGCAGTATAAGCTCTGAGAG[A>C]CATTTCCTCTTTTGTAGGTGCTCTAGGAACACTTATTTTATGTTGATTCTCTATTCCCAA-3'
Protein context (NP_060606.3, residues 742-762): VPRAPTKEEM[Ser752Ala]LRAYTARCRL